The following is an entry in ClinVar:

ClinVar aggregate classification (germline): Uncertain significance. Review status: criteria provided, multiple submitters, no conflicts (2 of 4 stars). 2 submissions from 2 submitters: Uncertain significance (2). Last evaluated 2025-12-19.

Conditions:
Biotin-responsive basal ganglia disease (BTBGD). Also called: thiamine-responsive encephalopathy; THIAMINE METABOLISM DYSFUNCTION SYNDROME 2 (BIOTIN- AND THIAMINE-RESPONSIVE TYPE); Thiamine Transporter-2 Deficiency; Thiamine metabolism dysfunction syndrome 2 (biotin- or thiamine-responsive encephalopathy type 2); Thiamine metabolism dysfunction syndrome type 2. Identifiers: Orphanet 199348, Orphanet 65284, MedGen C1843807, MONDO:0011841, OMIM 607483.

Allele frequency attached by ClinVar (database versions not stated): gnomAD exomes 0.00002; gnomAD 0.00007 and 0.00008; TOPMed 0.00009.

Submissions (2):

GeneDx
Classification: Uncertain significance. Last evaluated: 2025-12-19. Review status: criteria provided, single submitter. Criteria: GeneDx Variant Classification Process June 2021. Collection method: clinical testing. Allele origin: germline. Affected: yes.
Comment: In silico analysis suggests that this missense variant does not alter protein structure/function; Has not been previously published as pathogenic or benign to our knowledge

Labcorp Genetics (formerly Invitae), Labcorp
Classification: Uncertain significance for Biotin-responsive basal ganglia disease. Last evaluated: 2025-11-03. Review status: criteria provided, single submitter. Criteria: Invitae Variant Classification Sherloc (09022015). Collection method: clinical testing. Allele origin: germline.
Comment: This sequence change replaces alanine, which is neutral and non-polar, with threonine, which is neutral and polar, at codon 125 of the SLC19A3 protein (p.Ala125Thr). This variant is present in population databases (no rsID available, gnomAD 0.03%). This variant has not been reported in the literature in individuals affected with SLC19A3-related conditions. ClinVar contains an entry for this variant (Variation ID: 861003). Invitae Evidence Modeling of protein sequence and biophysical properties (such as structural, functional, and spatial information, amino acid conservation, physicochemical variation, residue mobility, and thermodynamic stability) has been performed for this missense variant. However, the output from this modeling did not meet the statistical confidence thresholds required to predict the impact of this variant on SLC19A3 protein function. In summary, the available evidence is currently insufficient to determine the role of this variant in disease. Therefore, it has been classified as a Variant of Uncertain Significance.

NM_025243.4(SLC19A3):c.373G>A (p.Ala125Thr)

Gene: SLC19A3 (solute carrier family 19 member 3; minus strand). Cytogenetic location: 2q36.3.
Variant type: single nucleotide variant.
Coding change: c.373G>A on transcript NM_025243.4 (MANE Select); coding-DNA position 373, G replaced by A.
Protein change: p.Ala125Thr; replaces alanine 125 with threonine.
Molecular consequence: missense variant.
Genome position (GRCh38, 1-based): chr2:227,699,342, C>T on the plus strand (G>A on the coding strand, the complement: SLC19A3 is on the minus strand). VCF-style: chr2-227699342-C-T. GRCh37 (hg19) VCF-style: chr2-228564058-C-T.
Other names: c.373G>A, p.Ala125Thr (NM_001371411.1, NM_001371412.1); c.361G>A, p.Ala121Thr (NM_001371413.1, NM_001371414.1); short protein forms A125T, A121T.
Identifiers: ClinVar variation 861003 (VCV000861003.10), dbSNP rs996377339, ClinGen allele CA2149314.